The following is an entry in ClinVar:

NM_021098.3(CACNA1H):c.3044T>C (p.Val1015Ala)

Gene: CACNA1H (calcium voltage-gated channel subunit alpha1 H; plus strand). Cytogenetic location: 16p13.3.
Variant type: single nucleotide variant.
Coding change: c.3044T>C on transcript NM_021098.3 (MANE Select); coding-DNA position 3044, T replaced by C.
Protein change: p.Val1015Ala; replaces valine 1015 with alanine.
Molecular consequence: missense variant.
Genome position (GRCh38, 1-based): chr16:1,207,411, T>C. VCF-style: chr16-1207411-T-C. GRCh37 (hg19) VCF-style: chr16-1257411-T-C.
Other names: c.3044T>C, p.Val1015Ala (NM_001005407.2); short protein forms V1015A.
Identifiers: ClinVar variation 2121863 (VCV002121863.4), dbSNP rs2548681707, ClinGen allele CA394170511.

ClinVar aggregate classification (germline): Uncertain significance (1 of 4 stars; one submission).

Conditions:
Hyperaldosteronism, familial, type IV (HALD4). Also called: FH IV; ALDOSTERONISM, PRIMARY, AND HYPERTENSION. Identifiers: Orphanet 642671, MedGen C4310756, MONDO:0014875, OMIM 617027.
Idiopathic generalized epilepsy. Also called: Generalised epilepsy; EIG. Identifiers: MedGen C0270850, MONDO:0005579, OMIM 600669.

Submission:

Labcorp Genetics (formerly Invitae), Labcorp
Classification: Uncertain significance for Idiopathic generalized epilepsy; Hyperaldosteronism, familial, type IV. Last evaluated: 2022-04-25. Review status: criteria provided, single submitter. Criteria: Invitae Variant Classification Sherloc (09022015). Collection method: clinical testing. Allele origin: germline.
Comment: In summary, the available evidence is currently insufficient to determine the role of this variant in disease. Therefore, it has been classified as a Variant of Uncertain Significance. Algorithms developed to predict the effect of missense changes on protein structure and function (SIFT, PolyPhen-2, Align-GVGD) all suggest that this variant is likely to be disruptive. This variant has not been reported in the literature in individuals affected with CACNA1H-related conditions. This variant is not present in population databases (gnomAD no frequency). This sequence change replaces valine, which is neutral and non-polar, with alanine, which is neutral and non-polar, at codon 1015 of the CACNA1H protein (p.Val1015Ala).